The following is an entry in ClinVar:

ClinVar aggregate classification (germline): Uncertain significance. Review status: criteria provided, multiple submitters, no conflicts (2 of 4 stars). 2 submissions from 2 submitters: Uncertain significance (2). Last evaluated 2023-05-26.

Conditions:
Inborn genetic diseases. Identifiers: MedGen C0950123, MeSH D030342.
GJB3-related disorder. Also called: GJB3-related condition.

Allele frequency attached by ClinVar (database versions not stated): gnomAD 0.00001; TOPMed 0.00001.

Submissions (2):

Ambry Genetics
Classification: Uncertain significance for Inborn genetic diseases. Last evaluated: 2023-05-26. Review status: criteria provided, single submitter. Criteria: Ambry Variant Classification Scheme 2023. Collection method: clinical testing. Allele origin: germline.

PreventionGenetics, part of Exact Sciences
Classification: Uncertain significance for GJB3-related condition. Last evaluated: 2023-04-03. Review status: criteria provided, single submitter. Criteria: ACMG Guidelines, 2015. Collection method: clinical testing. Allele origin: germline.
Comment: The GJB3 c.572T>A variant is predicted to result in the amino acid substitution p.Met191Lys. To our knowledge, this variant has not been reported in the literature. This variant is reported in 0.0023% of alleles in individuals of European (Non-Finnish) descent in gnomAD. At this time, the clinical significance of this variant is uncertain due to the absence of conclusive functional and genetic evidence.

NM_024009.3(GJB3):c.572T>A (p.Met191Lys)

Gene: GJB3 (gap junction protein beta 3; plus strand). Cytogenetic location: 1p34.3.
Variant type: single nucleotide variant.
Coding change: c.572T>A on transcript NM_024009.3 (MANE Select); coding-DNA position 572, T replaced by A.
Protein change: p.Met191Lys; replaces methionine 191 with lysine.
Molecular consequence: missense variant.
Genome position (GRCh38, 1-based): chr1:34,785,334, T>A. VCF-style: chr1-34785334-T-A. GRCh37 (hg19) VCF-style: chr1-35250935-T-A.
Other names: c.572T>A, p.Met191Lys (NM_001005752.2); short protein forms M191K.
Identifiers: ClinVar variation 2569628 (VCV002569628.3), dbSNP rs1173387127, ClinGen allele CA339315767.